The following is an entry in ClinVar:

NM_001081.4(CUBN):c.6359G>A (p.Trp2120Ter)

Gene: CUBN (cubilin; minus strand). Cytogenetic location: 10p13.
Variant type: single nucleotide variant.
Coding change: c.6359G>A on transcript NM_001081.4 (MANE Select); coding-DNA position 6359, G replaced by A.
Protein change: p.Trp2120Ter; replaces tryptophan 2120 with a stop codon.
Molecular consequence: nonsense.
Genome position (GRCh38, 1-based): chr10:16,925,687, C>T on the plus strand (G>A on the coding strand, the complement: CUBN is on the minus strand). VCF-style: chr10-16925687-C-T. GRCh37 (hg19) VCF-style: chr10-16967686-C-T.
Other names: short protein forms W2120*.
Identifiers: ClinVar variation 299439 (VCV000299439.15), dbSNP rs566060177, ClinGen allele CA5423703.

ClinVar aggregate classification (germline): Pathogenic/Likely pathogenic. Review status: criteria provided, multiple submitters, no conflicts (2 of 4 stars). 4 submissions from 4 submitters: Pathogenic (3); Likely pathogenic (1). Last evaluated 2025-07-01.

Conditions:
Imerslund-Grasbeck syndrome. Also called: Imerslund-Gräsbeck syndrome; ENTEROCYTE COBALAMIN MALABSORPTION; ENTEROCYTE INTRINSIC FACTOR RECEPTOR, DEFECT OF; PERNICIOUS ANEMIA, JUVENILE, DUE TO SELECTIVE INTESTINAL MALABSORPTION OF VITAMIN B12, WITH PROTEINURIA; Megaloblastic anemia due to inborn errors of metabolism. Identifiers: Orphanet 35858, MedGen C4551825, MONDO:0009853.
Proteinuria, chronic benign. Identifiers: MedGen C5394384, MONDO:0030042, OMIM 618884.
Imerslund-Grasbeck syndrome type 1 (IGS1). Also called: Megaloblastic anemia 1, Finnish type; MEGALOBLASTIC ANEMIA, 1; Imerslund-Gräsbeck syndrome 1. Identifiers: MedGen C4016819, MONDO:0100156, OMIM 261100.

Allele frequency attached by ClinVar (database versions not stated): gnomAD 0.00002 and 0.00003; gnomAD exomes 0.00003; ExAC 0.00004; TOPMed 0.00004; 1000 Genomes Project 30x 0.00016; 1000 Genomes Project 0.00020.
gnomAD v4.1: 54 of 1,613,972 alleles (0.0033%); highest among the groups gnomAD compares: Middle Eastern, 0.017%; no homozygotes.

Submissions (4):

GeneDx
Classification: Pathogenic. Last evaluated: 2025-07-01. Review status: criteria provided, single submitter. Criteria: GeneDx Variant Classification Process June 2021. Collection method: clinical testing. Allele origin: germline.
Comment: Nonsense variant predicted to result in protein truncation or nonsense mediated decay in a gene for which loss of function is a known mechanism of disease; Not observed at significant frequency in large population cohorts (gnomAD); Has not been previously published as pathogenic or benign with CUBN-related conditions to our knowledge; This variant is associated with the following publications: (PMID: 25635822)

Labcorp Genetics (formerly Invitae), Labcorp
Classification: Pathogenic for Imerslund-Grasbeck syndrome. Last evaluated: 2024-11-07. Review status: criteria provided, single submitter. Criteria: Invitae Variant Classification Sherloc (09022015). Collection method: clinical testing. Allele origin: germline.
Comment: This sequence change creates a premature translational stop signal (p.Trp2120*) in the CUBN gene. It is expected to result in an absent or disrupted protein product. Loss-of-function variants in CUBN are known to be pathogenic (PMID: 15024727, 22929189, 25349199, 31613795, 34979989). This variant is present in population databases (rs566060177, gnomAD 0.007%). This variant has not been reported in the literature in individuals affected with CUBN-related conditions. ClinVar contains an entry for this variant (Variation ID: 299439). Algorithms developed to predict the effect of sequence changes on RNA splicing suggest that this variant may disrupt the consensus splice site. For these reasons, this variant has been classified as Pathogenic.

Fulgent Genetics
Classification: Likely pathogenic for Imerslund-Grasbeck syndrome type 1; Proteinuria, chronic benign. Last evaluated: 2024-01-04. Review status: criteria provided, single submitter. Criteria: ACMG Guidelines, 2015. Collection method: clinical testing. Allele origin: germline.

Women's Health and Genetics/Laboratory Corporation of America, LabCorp
Classification: Pathogenic for Imerslund-Grasbeck syndrome type 1. Last evaluated: 2023-09-12. Review status: criteria provided, single submitter. Criteria: LabCorp Variant Classification Summary - May 2015. Collection method: clinical testing. Allele origin: germline.
Comment: Variant summary: CUBN c.6359G>A (p.Trp2120X) results in a premature termination codon, predicted to cause a truncation of the encoded protein or absence of the protein due to nonsense mediated decay, which are commonly known mechanisms for disease. The variant allele was found at a frequency of 3.2e-05 in 251362 control chromosomes (gnomAD). To our knowledge, no occurrence of c.6359G>A in individuals affected with Imerslund-Grasbeck Syndrome Type 1 and no experimental evidence demonstrating its impact on protein function have been reported. Two ClinVar submitters have assessed the variant since 2014: one classified the variant as uncertain significance and one as pathogenic. Based on the evidence outlined above, the variant was classified as pathogenic.

Literature cited by the submitters: PubMed 15024727 (cited by Labcorp Genetics (formerly Invitae), Labcorp); PubMed 22929189 (cited by Labcorp Genetics (formerly Invitae), Labcorp); PubMed 25349199 (cited by Labcorp Genetics (formerly Invitae), Labcorp); PubMed 31613795 (cited by Labcorp Genetics (formerly Invitae), Labcorp); PubMed 34979989 (cited by Labcorp Genetics (formerly Invitae), Labcorp).